The following is an entry in ClinVar:

NM_001029896.2(WDR45):c.818G>A (p.Arg273His)

Gene: WDR45 (WD repeat domain 45; minus strand). Cytogenetic location: Xp11.23.
Variant type: single nucleotide variant.
Coding change: c.818G>A on transcript NM_001029896.2 (MANE Select); coding-DNA position 818, G replaced by A.
Protein change: p.Arg273His; replaces arginine 273 with histidine.
Molecular consequence: missense variant.
Genome position (GRCh38, 1-based): chrX:49,075,373, C>T on the plus strand (G>A on the coding strand, the complement: WDR45 is on the minus strand). VCF-style: chrX-49075373-C-T. GRCh37 (hg19) VCF-style: chrX-48933032-C-T.
Other names: c.821G>A, p.Arg274His (NM_007075.4); short protein forms R273H, R274H.
Identifiers: ClinVar variation 2505890 (VCV002505890.3), dbSNP rs2520260816, ClinGen allele CA412942631.

ClinVar aggregate classification (germline): Uncertain significance (1 of 4 stars; one submission).

Allele frequency attached by ClinVar (database versions not stated): gnomAD exomes below 0.00001.

Submission:

GeneDx
Classification: Uncertain significance. Last evaluated: 2026-01-23. Review status: criteria provided, single submitter. Criteria: GeneDx Variant Classification Process June 2021. Collection method: clinical testing. Allele origin: germline. Affected: yes.
Comment: Not observed at significant frequency in large population cohorts (gnomAD); In silico analysis supports that this missense variant has a deleterious effect on protein structure/function; Has not been previously published as pathogenic or benign to our knowledge